The following is an entry in ClinVar:

NM_004360.5(CDH1):c.2547CTC[1] (p.Ser851del)

Gene: CDH1 (cadherin 1; plus strand). Cytogenetic location: 16q22.1.
Variant type: Microsatellite.
Coding change: c.2547CTC[1] on transcript NM_004360.5 (MANE Select); one copy of the 3-base unit CTC starting at c.2547; the reference has two copies in a row; one copy, 3 bases deleted.
Protein change: p.Ser851del; deletes serine 851.
Molecular consequence: inframe deletion. On other transcripts: inframe indel (2).
Genome position (GRCh38, 1-based): chr16:68,833,400-68,833,402, CTC deleted; deleting any 3 consecutive bases within chr16:68,833,397-68,833,402 gives the same sequence; the position shown is the placement nearest the transcript's 3' end. VCF-style (leftmost placement, unchanged base first): chr16-68833396-ACTC-A. GRCh37 (hg19) VCF-style: chr16-68867299-ACTC-A.
Other names: c.2364CTC[1], p.Ser790del (NM_001317184.2); c.999CTC[1], p.Ser335del (NM_001317185.2); c.582CTC[1], p.Ser196del (NM_001317186.2); c.2547_2549CTC[1], p.Ser851del (NM_004360.3); c.2550_2552delCTC (NM_004360.3); short protein forms S196del, S335del, S790del, S851del.
Identifiers: ClinVar variation 3224179 (VCV003224179.1), dbSNP rs1408019740, ClinGen allele CA723146227.
Genomic context (GRCh38, chr16:68,833,396, plus strand): 5'-CTCTGCTCGTGTTTGACTATGAAGGAAGCGGTTCCGAAGCTGCTAGTCTGAGCTCCCTGA[ACTC>A]CTCAGAGTCAGACAAAGACCAGGACTATGACTACTTGAACGAATGGGGCAATCGCTTCAA-3'

ClinVar aggregate classification (germline): Uncertain significance (1 of 4 stars; one submission).

Conditions:
Hereditary cancer-predisposing syndrome. Also called: Tumor predisposition; Hereditary neoplastic syndrome; Hereditary Cancer Syndrome; Neoplastic Syndromes, Hereditary. Identifiers: Orphanet 140162, MedGen C0027672, MeSH D009386, MONDO:0015356.

Submission:

Ambry Genetics
Classification: Uncertain significance for Hereditary cancer-predisposing syndrome. Last evaluated: 2023-11-02. Review status: criteria provided, single submitter. Criteria: Ambry Variant Classification Scheme 2023. Collection method: clinical testing. Allele origin: germline.
Comment: The c.2550_2552delCTC variant (also known as p.S851del) is located in coding exon 16 of the CDH1 gene. This variant results from an in-frame CTC deletion at nucleotide positions 2550 to 2552. This results in the in-frame deletion of a serine at codon 851. This amino acid position is well conserved in available vertebrate species. In addition, this alteration is predicted to be deleterious by in silico analysis (Choi Y et al. PLoS ONE. 2012; 7(10):e46688). Since supporting evidence is limited at this time, the clinical significance of this alteration remains unclear.